The following is an entry in ClinVar:

NM_000156.6(GAMT):c.182-265_182-228del

Gene: GAMT (guanidinoacetate N-methyltransferase; minus strand). Cytogenetic location: 19p13.3.
Variant type: Deletion.
Coding change: c.182-265_182-228del on transcript NM_000156.6 (MANE Select); 265 bases into the intron before coding-DNA position 182 through 228 bases into the intron before coding-DNA position 182, 38 bases deleted.
Molecular consequence: intron variant.
Genome position (GRCh38, 1-based): chr19:1,400,166-1,400,203, 38 bases deleted; deleting any 38 consecutive bases within chr19:1,400,166-1,400,207 gives the same sequence; the c. name uses the placement nearest the transcript's 3' end. GRCh37 (hg19): chr19:1,400,169-1,400,206.
Other names: c.182-265_182-228del (NM_138924.3).
Identifiers: ClinVar variation 674232 (VCV000674232.2), dbSNP rs1404813118, ClinGen allele CA631044817.

ClinVar aggregate classification (germline): Benign. Review status: reviewed by expert panel (3 of 4 stars). 2 submissions from 2 submitters: Benign (1). 1 of the submissions does not count toward it. Last evaluated 2022-06-06.

Conditions:
Deficiency of guanidinoacetate methyltransferase (CCDS2). Also called: GAMT DEFICIENCY; CEREBRAL CREATINE DEFICIENCY SYNDROME 2; Guanidinoacetate Methyltransferase (GAMT) Deficiency. Identifiers: Orphanet 382, MedGen C0574080, MONDO:0012999, OMIM 612736.

Submissions (2):

ClinGen Cerebral Creatine Deficiency Syndromes Variant Curation Expert Panel, ClinGen
Classification: Benign for Deficiency of guanidinoacetate methyltransferase. Last evaluated: 2022-06-06. Review status: reviewed by expert panel. Criteria: ClinGen_CCDS_ACMG_Specifications_GAMT_v1.1. Collection method: curation. Allele origin: germline. Inheritance: Autosomal recessive inheritance.
Comment: The NM_000156.6:c.182-265_182-228del variant in GAMT is a 48bp in-frame deletion in an intronic region. The highest population minor allele frequency in gnomAD v2.1.1 is 0.09413 (690/7330 alleles) in the African / African American population, which is higher than the ClinGen CCDS VCEP’s threshold for BA1 (>0.003), and therefore meets this criterion (BA1). There are 37 homozygotes for the variant (all African) in gnomAD v2.1.1 which, given the early onset and severity of the phenotype, supports that this variant is not associated with GAMT deficiency (BS2). This variant does not appear to have been reported in the published literature, but is noted in ClinVar (Variation ID: 674232). In summary, this variant meets the criteria to be classified as benign for GAMT deficiency based on the ACMG/AMP criteria applied, as specified by the ClinGen Cerebral Creatine Deficiency Syndromes Variant Curation Expert Panel (Specifications Version 1.1.0): BA1, BS2. (Classification approved by the ClinGen CCDS VCEP on June 6, 2022).

GeneDx
Classification: Benign. Last evaluated: 2018-06-19. Review status: criteria provided, single submitter. Criteria: GeneDx Variant Classification (06012015). Collection method: clinical testing. Allele origin: germline. Affected: yes. Not counted in ClinVar's aggregate classification.
Comment: This variant is considered likely benign or benign based on one or more of the following criteria: it is a conservative change, it occurs at a poorly conserved position in the protein, it is predicted to be benign by multiple in silico algorithms, and/or has population frequency not consistent with disease.